The following is an entry in ClinVar:

ClinVar aggregate classification (germline): Benign (1 of 4 stars; one submission).

Allele frequency attached by ClinVar (database versions not stated): gnomAD exomes 0.03886; TOPMed 0.06178; gnomAD 0.06449 and 0.06508; 1000 Genomes Project 0.07808; 1000 Genomes Project 30x 0.07948.

Submission:

GeneDx
Classification: Benign. Last evaluated: 2019-08-22. Review status: criteria provided, single submitter. Criteria: GeneDx Variant Classification Process June 2021. Collection method: clinical testing. Allele origin: germline. Affected: yes.
Comment: This variant is associated with the following publications: (PMID: 15450400)

NM_023067.4(FOXL2):c.*925dup

Gene: FOXL2 (forkhead box L2; minus strand). Cytogenetic location: 3q22.3.
Variant type: Duplication.
Coding change: c.*925dup on transcript NM_023067.4 (MANE Select); 925 bases downstream of the stop codon, one base duplicated (T; older notation c.*925dupT).
Molecular consequence: 3 prime UTR variant.
Genome position (GRCh38, 1-based): chr3:138,944,667, A duplicated on the plus strand (T on the coding strand, the reverse complement: FOXL2 is on the minus strand). VCF-style (leftmost placement, unchanged base first): chr3-138944666-C-CA. GRCh37 (hg19) VCF-style: chr3-138663508-C-CA.
Identifiers: ClinVar variation 1228805 (VCV001228805.3), dbSNP rs139209636, ClinGen allele CA83968621.